The following is an entry in ClinVar:

ClinVar aggregate classification (germline): Uncertain significance. Review status: criteria provided, multiple submitters, no conflicts (2 of 4 stars). 3 submissions from 3 submitters: Uncertain significance (3). Last evaluated 2026-09-01.

Allele frequency attached by ClinVar (database versions not stated): gnomAD 0.00001; TOPMed 0.00001.
gnomAD v4.1: 8 of 1,600,220 alleles (0.0005%); highest among the groups gnomAD compares: Non-Finnish European, 0.00068%; no homozygotes.

Submissions (3):

CeGaT Center for Human Genetics Tuebingen
Classification: Uncertain significance. Last evaluated: 2026-09-01. Review status: criteria provided, single submitter. Criteria: CeGaT Center For Human Genetics Tuebingen Variant Classification Criteria Version 2. Collection method: clinical testing. Allele origin: germline. Affected: yes. Observed: 1 variant allele.
Comment: SLC7A14: PM2, PP3

Blueprint Genetics
Classification: Uncertain significance. Last evaluated: 2023-08-08. Review status: criteria provided, single submitter. Criteria: ACMG Guidelines, 2015. Collection method: clinical testing. Allele origin: germline.

Labcorp Genetics (formerly Invitae), Labcorp
Classification: Uncertain significance. Last evaluated: 2022-10-05. Review status: criteria provided, single submitter. Criteria: Invitae Variant Classification Sherloc (09022015). Collection method: clinical testing. Allele origin: germline.
Comment: This sequence change replaces valine, which is neutral and non-polar, with leucine, which is neutral and non-polar, at codon 642 of the SLC7A14 protein (p.Val642Leu). The frequency data for this variant in the population databases is considered unreliable, as metrics indicate poor data quality at this position in the gnomAD database. This variant has not been reported in the literature in individuals affected with SLC7A14-related conditions. Algorithms developed to predict the effect of missense changes on protein structure and function are either unavailable or do not agree on the potential impact of this missense change (SIFT: "Tolerated"; PolyPhen-2: "Possibly Damaging"; Align-GVGD: "Class C0"). In summary, the available evidence is currently insufficient to determine the role of this variant in disease. Therefore, it has been classified as a Variant of Uncertain Significance.

NM_020949.3(SLC7A14):c.1924G>T (p.Val642Leu)

Genes: SLC7A14 (solute carrier family 7 member 14; minus strand), SLC7A14-AS1 (SLC7A14 antisense RNA 1; plus strand). Cytogenetic location: 3q26.2.
Variant type: single nucleotide variant.
Coding change: c.1924G>T on transcript NM_020949.3 (MANE Select); coding-DNA position 1924, G replaced by T.
Protein change: p.Val642Leu; replaces valine 642 with leucine.
Molecular consequence: missense variant.
Genome position (GRCh38, 1-based): chr3:170,480,358, C>A on the plus strand (G>T on the coding strand, the complement: SLC7A14 is on the minus strand). VCF-style: chr3-170480358-C-A. GRCh37 (hg19) VCF-style: chr3-170198147-C-A.
Other names: short protein forms V642L.
Identifiers: ClinVar variation 1964587 (VCV001964587.7), dbSNP rs767567265, ClinGen allele CA355488549.